The following is an entry in ClinVar:

ClinVar aggregate classification (germline): Uncertain significance (1 of 4 stars; one submission).

Conditions:
Legius syndrome. Identifiers: Orphanet 137605, MedGen C1969623, MONDO:0012669, OMIM 611431. Disease mechanism: loss of function.

Allele frequency attached by ClinVar (database versions not stated): gnomAD 0.00001.
gnomAD v4.1: 1 of 1,607,074 alleles (0.000062%); highest among the groups gnomAD compares: African/African-American, 0.0013%; no homozygotes.

Submission:

Labcorp Genetics (formerly Invitae), Labcorp
Classification: Uncertain significance for Legius syndrome. Last evaluated: 2020-09-02. Review status: criteria provided, single submitter. Criteria: Invitae Variant Classification Sherloc (09022015). Collection method: clinical testing. Allele origin: germline.
Comment: This sequence change replaces isoleucine with leucine at codon 195 of the SPRED1 protein (p.Ile195Leu). The isoleucine residue is moderately conserved and there is a small physicochemical difference between isoleucine and leucine. This variant is not present in population databases (ExAC no frequency). This variant has not been reported in the literature in individuals with SPRED1-related conditions. Algorithms developed to predict the effect of missense changes on protein structure and function (SIFT, PolyPhen-2, Align-GVGD) all suggest that this variant is likely to be tolerated, but these predictions have not been confirmed by published functional studies and their clinical significance is uncertain. Algorithms developed to predict the effect of sequence changes on RNA splicing suggest that this variant may disrupt the consensus splice site, but this prediction has not been confirmed by published transcriptional studies. In summary, the available evidence is currently insufficient to determine the role of this variant in disease. Therefore, it has been classified as a Variant of Uncertain Significance.

NM_152594.3(SPRED1):c.583A>T (p.Ile195Leu)

Gene: SPRED1 (sprouty related EVH1 domain containing 1; plus strand). Cytogenetic location: 15q14.
Variant type: single nucleotide variant.
Coding change: c.583A>T on transcript NM_152594.3 (MANE Select); coding-DNA position 583, A replaced by T.
Protein change: p.Ile195Leu; replaces isoleucine 195 with leucine.
Molecular consequence: missense variant.
Genome position (GRCh38, 1-based): chr15:38,349,422, A>T. VCF-style: chr15-38349422-A-T. GRCh37 (hg19) VCF-style: chr15-38641623-A-T.
Other names: short protein forms I195L.
Identifiers: ClinVar variation 1057953 (VCV001057953.9), dbSNP rs1385820657, ClinGen allele CA391932768.
Genomic context (GRCh38, chr15:38,349,422, plus strand): 5'-TACAGTTTCATTAAAAGTAAAATTCTTGTGTCATTTAAGTAGAAATTGTTTGTATTTTAG[A>T]TAACATTTGGTCAGCCAGGCTTGGACATTCAGAGCAGAAGTATGGAATACGTACAGCGGC-3'
Protein context (NP_689807.1, residues 185-205): RVYMQSQANQ[Ile195Leu]TFGQPGLDIQ